The following is an entry in ClinVar:

ClinVar aggregate classification (germline): Uncertain significance (1 of 4 stars; one submission).

gnomAD v4.1: 1 of 1,613,600 alleles (0.000062%); highest among the groups gnomAD compares: East Asian, 0.0022%; no homozygotes.

Submission:

Labcorp Genetics (formerly Invitae), Labcorp
Classification: Uncertain significance. Last evaluated: 2025-02-06. Review status: criteria provided, single submitter. Criteria: Invitae Variant Classification Sherloc (09022015). Collection method: clinical testing. Allele origin: germline.
Comment: This sequence change replaces aspartic acid, which is acidic and polar, with glutamic acid, which is acidic and polar, at codon 221 of the CYLD protein (p.Asp221Glu). This variant is not present in population databases (gnomAD no frequency). This variant has not been reported in the literature in individuals affected with CYLD-related conditions. Invitae Evidence Modeling of protein sequence and biophysical properties (such as structural, functional, and spatial information, amino acid conservation, physicochemical variation, residue mobility, and thermodynamic stability) indicates that this missense variant is not expected to disrupt CYLD protein function with a negative predictive value of 80%. In summary, the available evidence is currently insufficient to determine the role of this variant in disease. Therefore, it has been classified as a Variant of Uncertain Significance.

NM_001378743.1(CYLD):c.663C>A (p.Asp221Glu)

Gene: CYLD (CYLD lysine 63 deubiquitinase; plus strand). Cytogenetic location: 16q12.1.
Variant type: single nucleotide variant.
Coding change: c.663C>A on transcript NM_001378743.1 (MANE Select); coding-DNA position 663, C replaced by A.
Protein change: p.Asp221Glu; replaces aspartic acid 221 with glutamic acid.
Molecular consequence: missense variant. On other transcripts: 5 prime UTR variant (2), non-coding transcript variant (1).
Genome position (GRCh38, 1-based): chr16:50,751,762, C>A. VCF-style: chr16-50751762-C-A. GRCh37 (hg19) VCF-style: chr16-50785673-C-A.
Other names: c.663C>A, p.Asp221Glu (NM_001042355.2, NM_001042412.3, NM_001378744.1 and 10 more transcripts); c.-4C>A (NM_001378754.1, NM_001378755.1); short protein forms D221E.
Identifiers: ClinVar variation 4799131 (VCV004799131.1).
Genomic context (GRCh38, chr16:50,751,762, plus strand): 5'-GCTAGAACTCATAGAAGATGATGACACTGCATTGGAAAGTGATTACGCAGGTCCTGGGGA[C>A]ACAATGCAGGTCGAACTTCCTCCTTTGGAAATAAACTCCAGAGTTTCTTTGAAGGTTGGA-3'
Protein context (NP_001365672.1, residues 211-231): ALESDYAGPG[Asp221Glu]TMQVELPPLE